The following is an entry in ClinVar:

ClinVar aggregate classification (germline): Pathogenic. Review status: criteria provided, multiple submitters, no conflicts (2 of 4 stars). 4 submissions from 4 submitters: Pathogenic (4). Last evaluated 2024-11-04.

Conditions:
Xeroderma pigmentosum (XP). Identifiers: Orphanet 910, MedGen C0043346, MONDO:0019600.
Xeroderma pigmentosum variant type. Also called: POLH-Related Xeroderma Pigmentosum; XERODERMA PIGMENTOSUM WITH NORMAL DNA REPAIR RATES; PHOTOSENSITIVITY WITH DEFECTIVE DNA SYNTHESIS. Identifiers: Orphanet 90342, MedGen C1848410, MONDO:0010214, OMIM 278750.

Allele frequency attached by ClinVar (database versions not stated): ExAC 0.00001; gnomAD 0.00001 and 0.00002; gnomAD exomes 0.00001; TOPMed 0.00002.
gnomAD v4.1: 16 of 1,613,770 alleles (0.00099%); highest among the groups gnomAD compares: East Asian, 0.0022%; no homozygotes.

Submissions (4):

Women's Health and Genetics/Laboratory Corporation of America, LabCorp
Classification: Pathogenic for Xeroderma pigmentosum. Last evaluated: 2024-11-04. Review status: criteria provided, single submitter. Criteria: LabCorp Variant Classification Summary - May 2015. Collection method: clinical testing. Allele origin: germline.
Comment: Variant summary: POLH c.907C>T (p.Arg303X) results in a premature termination codon, predicted to cause a truncation of the encoded protein or absence of the protein due to nonsense mediated decay, which are commonly known mechanisms for disease. The variant allele was found at a frequency of 1.2e-05 in 251446 control chromosomes. c.907C>T has been reported in the literature in multiple individuals affected with Xeroderma Pigmentosum (example: Munford_2017). These data indicate that the variant is very likely to be associated with disease. The following publication has been ascertained in the context of this evaluation (PMID: 27664908). ClinVar contains an entry for this variant (Variation ID: 224063). Based on the evidence outlined above, the variant was classified as pathogenic.

Labcorp Genetics (formerly Invitae), Labcorp
Classification: Pathogenic. Last evaluated: 2024-01-28. Review status: criteria provided, single submitter. Criteria: Invitae Variant Classification Sherloc (09022015). Collection method: clinical testing. Allele origin: germline.
Comment: This sequence change creates a premature translational stop signal (p.Arg303*) in the POLH gene. It is expected to result in an absent or disrupted protein product. Loss-of-function variants in POLH are known to be pathogenic (PMID: 11773631, 24130121, 25256075). This variant is present in population databases (rs759607901, gnomAD 0.003%). This premature translational stop signal has been observed in individual(s) with xeroderma pigmentosum (PMID: 27664908). ClinVar contains an entry for this variant (Variation ID: 224063). For these reasons, this variant has been classified as Pathogenic.

DNA Repair Laboratory, Institute of Biomedical Sciences - University of Sao Paulo
Classification: Pathogenic for Xeroderma pigmentosum variant type. Last evaluated: 2013-01-01. Review status: criteria provided, single submitter. Criteria: DNA Repair Laboratory General Variant Analysis Guidelines (Version 1). Collection method: research. Allele origin: germline. Affected: yes. Observed: 6 variant alleles.

Clinical Genetics Service, Universitary Hospital 12 de Octubre
Classification: Pathogenic for Xeroderma pigmentosum variant type. Review status: criteria provided, single submitter. Criteria: ACMG Guidelines, 2015. Collection method: clinical testing. Allele origin: germline. Affected: yes.

Literature cited by the submitters: PubMed 27664908 (cited by Women's Health and Genetics/Laboratory Corporation of America, LabCorp and Labcorp Genetics (formerly Invitae), Labcorp); PubMed 11773631 (cited by Labcorp Genetics (formerly Invitae), Labcorp); PubMed 24130121 (cited by Labcorp Genetics (formerly Invitae), Labcorp and DNA Repair Laboratory, Institute of Biomedical Sciences - University of Sao Paulo); PubMed 25256075 (cited by Labcorp Genetics (formerly Invitae), Labcorp).

NM_006502.3(POLH):c.907C>T (p.Arg303Ter)

Gene: POLH (DNA polymerase eta; plus strand). Cytogenetic location: 6p21.1.
Variant type: single nucleotide variant.
Coding change: c.907C>T on transcript NM_006502.3 (MANE Select); coding-DNA position 907, C replaced by T.
Protein change: p.Arg303Ter; replaces arginine 303 with a stop codon.
Molecular consequence: nonsense.
Genome position (GRCh38, 1-based): chr6:43,604,637, C>T. VCF-style: chr6-43604637-C-T. GRCh37 (hg19) VCF-style: chr6-43572374-C-T.
Other names: c.535C>T, p.Arg179Ter (NM_001291969.2); c.907C>T, p.Arg303Ter (NM_001291970.2); short protein forms R303*, R179*.
Identifiers: ClinVar variation 224063 (VCV000224063.11), dbSNP rs759607901, ClinGen allele CA205006.
Genomic context (GRCh38, chr6:43,604,637, plus strand): 5'-TTTAATTTCACCTTAACGTTTTTTGCTGGTCTTATTAGGTCTTGGCTATATGCCATGTGC[C>T]GAGGGATTGAACATGATCCAGTTAAACCCAGGCAACTACCCAAAACCATTGGCTGTAGTA-3'